The following is an entry in ClinVar:

ClinVar aggregate classification (germline): Conflicting classifications of pathogenicity. Review status: criteria provided, conflicting classifications (1 of 4 stars). 4 submissions from 4 submitters: Uncertain significance (3); Likely benign (1). Last evaluated 2026-01-12.

Conditions:
Cardiovascular phenotype. Identifiers: MedGen CN230736.
CACNA1C-related disorder. Also called: CACNA1C-related condition; CACNA1C-related disorders. Identifiers: MedGen CN381092, MONDO:0700321.
Long QT syndrome (LQTS). Identifiers: MedGen C0023976, MeSH D008133, MONDO:0002442. Disease mechanism: loss of function. Inheritance: Various modes of inheritance.

Allele frequency attached by ClinVar (database versions not stated): gnomAD exomes 0.00001; ExAC 0.00003; gnomAD 0.00010; TOPMed 0.00012.
gnomAD v4.1: 24 of 1,613,636 alleles (0.0015%); highest among the groups gnomAD compares: African/African-American, 0.025%; no homozygotes.

Submissions (4):

Labcorp Genetics (formerly Invitae), Labcorp
Classification: Uncertain significance for Long QT syndrome. Last evaluated: 2026-01-12. Review status: criteria provided, single submitter. Criteria: Invitae Variant Classification Sherloc (09022015). Collection method: clinical testing. Allele origin: germline.
Comment: This sequence change replaces leucine, which is neutral and non-polar, with isoleucine, which is neutral and non-polar, at codon 289 of the CACNA1C protein (p.Leu289Ile). This variant is present in population databases (rs770311259, gnomAD 0.02%). This variant has not been reported in the literature in individuals affected with CACNA1C-related conditions. ClinVar contains an entry for this variant (Variation ID: 968401). Invitae Evidence Modeling of protein sequence and biophysical properties (such as structural, functional, and spatial information, amino acid conservation, physicochemical variation, residue mobility, and thermodynamic stability) indicates that this missense variant is expected to disrupt CACNA1C protein function with a positive predictive value of 95%. In summary, the available evidence is currently insufficient to determine the role of this variant in disease. Therefore, it has been classified as a Variant of Uncertain Significance.

Ambry Genetics
Classification: Likely benign for Cardiovascular phenotype. Last evaluated: 2023-11-27. Review status: criteria provided, single submitter. Criteria: Ambry Variant Classification Scheme 2023. Collection method: clinical testing. Allele origin: germline.

PreventionGenetics, part of Exact Sciences
Classification: Uncertain significance for CACNA1C-related condition. Last evaluated: 2023-01-03. Review status: criteria provided, single submitter. Criteria: ACMG Guidelines, 2015. Collection method: clinical testing. Allele origin: germline.
Comment: The CACNA1C c.865C>A variant is predicted to result in the amino acid substitution p.Leu289Ile. To our knowledge, this variant has not been reported in the literature. This variant is reported in 0.021% of alleles in individuals of African descent in gnomAD. At this time, the clinical significance of this variant is uncertain due to the absence of conclusive functional and genetic evidence.

AiLife Diagnostics
Classification: Uncertain significance. Last evaluated: 2022-01-03. Review status: criteria provided, single submitter. Criteria: ACMG Guidelines, 2015. Collection method: clinical testing. Allele origin: germline. Affected: yes. Observed: 1 variant allele.

NM_000719.7(CACNA1C):c.865C>A (p.Leu289Ile)

Gene: CACNA1C (calcium voltage-gated channel subunit alpha1 C; plus strand). Cytogenetic location: 12p13.33.
Variant type: single nucleotide variant.
Coding change: c.865C>A on transcript NM_000719.7 (MANE Select); coding-DNA position 865, C replaced by A.
Protein change: p.Leu289Ile; replaces leucine 289 with isoleucine.
Molecular consequence: missense variant.
Genome position (GRCh38, 1-based): chr12:2,486,211, C>A. VCF-style: chr12-2486211-C-A. GRCh37 (hg19) VCF-style: chr12-2595377-C-A.
Other names: c.865C>A, p.Leu289Ile (NM_001129838.2, NM_001129839.2, NM_001129840.2 and 19 more transcripts); short protein forms L289I.
Identifiers: ClinVar variation 968401 (VCV000968401.14), dbSNP rs770311259, ClinGen allele CA6388548.